The following is an entry in ClinVar:

NC_000001.10:g.(?_46654381)_(46656466_?)del

Gene: POMGNT1 (protein O-linked mannose N-acetylglucosaminyltransferase 1 (beta 1,2-); minus strand). Cytogenetic location: 1p34.1.
Variant type: Deletion.
Identifiers: ClinVar variation 1459033 (VCV001459033.6).

ClinVar aggregate classification (germline): Pathogenic (1 of 4 stars; one submission).

Conditions:
Autosomal recessive limb-girdle muscular dystrophy type 2O. Also called: Limb-Girdle Muscular Dystrophy Type 3C; MUSCULAR DYSTROPHY-DYSTROGLYCANOPATHY (LIMB-GIRDLE), TYPE C, 3; MUSCULAR DYSTROPHY-DYSTROGLYCANOPATHY, LIMB-GIRDLE, POMGNT1-RELATED. Identifiers: Orphanet 206564, MedGen C3150417, MONDO:0013161, OMIM 613157.
Muscular dystrophy-dystroglycanopathy (congenital with impaired intellectual development), type B, 3. Also called: Muscular dystrophy-dystroglycanopathy (congenital with intellectual disability), type B3; MUSCULAR DYSTROPHY, CONGENITAL, POMGNT1-RELATED. Identifiers: MedGen C3150412, MONDO:0013155, OMIM 613151.

Submission:

Labcorp Genetics (formerly Invitae), Labcorp
Classification: Pathogenic for Autosomal recessive limb-girdle muscular dystrophy type 2O; Muscular dystrophy-dystroglycanopathy (congenital with impaired intellectual development), type B, 3. Last evaluated: 2021-09-18. Review status: criteria provided, single submitter. Criteria: Invitae Variant Classification Sherloc (09022015). Collection method: clinical testing. Allele origin: germline.
Comment: For these reasons, this variant has been classified as Pathogenic. This variant disrupts a region of the POMGNT1 protein in which other variant(s) (p.Arg605His) have been determined to be pathogenic (PMID: 12849864, 21361872). This suggests that this is a clinically significant region of the protein, and that variants that disrupt it are likely to be disease-causing. This variant has not been reported in the literature in individuals affected with POMGNT1-related conditions. This variant is a gross deletion of the genomic region encompassing exon(s) 18-22 of the POMGNT1 gene, which includes the termination codon. This deletion extends beyond the assayed region for this gene and therefore may encompass additional genes. While this deletion is not anticipated to lead to nonsense mediated decay, it is expected to alter mRNA translation or result in a truncated protein product.

Literature cited by the submitters: PubMed 12849864; PubMed 21361872.